The following is an entry in ClinVar:

ClinVar aggregate classification (germline): Conflicting classifications of pathogenicity. Review status: criteria provided, conflicting classifications (1 of 4 stars). 4 submissions from 4 submitters: Uncertain significance (3); Likely benign (1). Last evaluated 2025-11-25.

Conditions:
Familial hypobetalipoproteinemia 1. Also called: Hypobetalipoproteinemia, normotriglyceridemic; Acanthocytosis with hypobetalipoproteinemia; APOB-Related Familial Hypobetalipoproteinemia. Identifiers: MedGen C4551990, MONDO:0014252, OMIM 615558.
Hypercholesterolemia, autosomal dominant, type B (FHCL2). Also called: Familial Hypercholesterolemia Type B; HYPERCHOLESTEROLEMIA, FAMILIAL, DUE TO LIGAND-DEFECTIVE APOLIPOPROTEIN B; Familial hypercholesterolemia 2; APOB-Related Familial Hypercholesterolemia, Autosomal Dominant; APOLIPOPROTEIN B-100, FAMILIAL DEFECTIVE; APOLIPOPROTEIN B-100, FAMILIAL LIGAND-DEFECTIVE. Identifiers: MedGen C1704417, MONDO:0007751, OMIM 144010.

Allele frequency attached by ClinVar (database versions not stated): gnomAD 0.00002; gnomAD exomes 0.00002 and 0.00009; TOPMed 0.00003; ExAC 0.00002.
gnomAD v4.1: 134 of 1,613,968 alleles (0.0083%); highest among the groups gnomAD compares: Non-Finnish European, 0.011%; no homozygotes.

Submissions (4):

Labcorp Genetics (formerly Invitae), Labcorp
Classification: Likely benign for Familial hypobetalipoproteinemia 1; Hypercholesterolemia, autosomal dominant, type B. Last evaluated: 2025-11-25. Review status: criteria provided, single submitter. Criteria: Invitae Variant Classification Sherloc (09022015). Collection method: clinical testing. Allele origin: germline.

GeneDx
Classification: Uncertain significance. Last evaluated: 2025-02-27. Review status: criteria provided, single submitter. Criteria: GeneDx Variant Classification Process June 2021. Collection method: clinical testing. Allele origin: germline. Affected: yes.
Comment: Not observed at significant frequency in large population cohorts (gnomAD); In silico analysis supports that this missense variant has a deleterious effect on protein structure/function; Has not been previously published as pathogenic or benign to our knowledge

Greenwood Genetic Center Diagnostic Laboratories, Greenwood Genetic Center
Classification: Uncertain significance. Last evaluated: 2024-08-15. Review status: criteria provided, single submitter. Criteria: ACMG Guidelines, 2015. Collection method: clinical testing. Allele origin: germline. Affected: yes.
Comment: PM2, BP4

Fulgent Genetics
Classification: Uncertain significance for Hypercholesterolemia, autosomal dominant, type B; Familial hypobetalipoproteinemia 1. Last evaluated: 2021-10-18. Review status: criteria provided, single submitter. Criteria: ACMG Guidelines, 2015. Collection method: clinical testing. Allele origin: unknown.

NM_000384.3(APOB):c.12851T>C (p.Phe4284Ser)

Gene: APOB (apolipoprotein B; minus strand). Cytogenetic location: 2p24.1.
Variant type: single nucleotide variant.
Coding change: c.12851T>C on transcript NM_000384.3 (MANE Select); coding-DNA position 12851, T replaced by C.
Protein change: p.Phe4284Ser; replaces phenylalanine 4284 with serine.
Molecular consequence: missense variant.
Genome position (GRCh38, 1-based): chr2:21,002,571, A>G on the plus strand (T>C on the coding strand, the complement: APOB is on the minus strand). VCF-style: chr2-21002571-A-G. GRCh37 (hg19) VCF-style: chr2-21225443-A-G.
Other names: short protein forms F4284S.
Identifiers: ClinVar variation 921861 (VCV000921861.10), dbSNP rs750204106, ClinGen allele CA051347.